The following is an entry in ClinVar:

NM_000268.4(NF2):c.886-3C>T

Gene: NF2 (NF2, moesin-ezrin-radixin like (MERLIN) tumor suppressor; plus strand). Cytogenetic location: 22q12.2.
Variant type: single nucleotide variant.
Coding change: c.886-3C>T on transcript NM_000268.4 (MANE Select); 3 bases into the intron before coding-DNA position 886, C replaced by T.
Molecular consequence: intron variant.
Genome position (GRCh38, 1-based): chr22:29,668,330, C>T. VCF-style: chr22-29668330-C-T. GRCh37 (hg19) VCF-style: chr22-30064319-C-T.
Other names: c.886-3C>T (NM_016418.5, NM_181832.3, NM_181825.3); c.447+26045C>T (NM_181833.3); c.763-3C>T (NM_181829.3); c.760-3C>T (NM_181828.3); c.637-3C>T (NM_181830.3, NM_181831.3).
Identifiers: ClinVar variation 856827 (VCV000856827.9), dbSNP rs1340263866, ClinGen allele CA638993441.

ClinVar aggregate classification (germline): Conflicting classifications of pathogenicity. Review status: criteria provided, conflicting classifications (1 of 4 stars). 2 submissions from 2 submitters: Uncertain significance (1); Likely benign (1). Last evaluated 2024-04-05.

Conditions:
Neurofibromatosis, type 2 (SWNV). Also called: BILATERAL ACOUSTIC NEUROFIBROMATOSIS; SCHWANNOMATOSIS, VESTIBULAR; NF2-Related Schwannomatosis. Identifiers: Orphanet 637, MedGen C0027832, MONDO:0007039, OMIM 101000. Disease mechanism: loss of function.

Allele frequency attached by ClinVar (database versions not stated): gnomAD exomes below 0.00001.

Submissions (2):

Labcorp Genetics (formerly Invitae), Labcorp
Classification: Uncertain significance for Neurofibromatosis, type 2. Last evaluated: 2024-04-05. Review status: criteria provided, single submitter. Criteria: Invitae Variant Classification Sherloc (09022015). Collection method: clinical testing. Allele origin: germline.
Comment: This sequence change falls in intron 9 of the NF2 gene. It does not directly change the encoded amino acid sequence of the NF2 protein. It affects a nucleotide within the consensus splice site. This variant is present in population databases (no rsID available, gnomAD 0.003%). This variant has not been reported in the literature in individuals affected with NF2-related conditions. ClinVar contains an entry for this variant (Variation ID: 856827). Variants that disrupt the consensus splice site are a relatively common cause of aberrant splicing (PMID: 17576681, 9536098). Algorithms developed to predict the effect of sequence changes on RNA splicing suggest that this variant is not likely to affect RNA splicing. In summary, the available evidence is currently insufficient to determine the role of this variant in disease. Therefore, it has been classified as a Variant of Uncertain Significance.

All of Us Research Program, National Institutes of Health
Classification: Likely benign for Neurofibromatosis, type 2. Last evaluated: 2023-10-27. Review status: criteria provided, single submitter. Criteria: ACMG Guidelines, 2015. Collection method: clinical testing. Allele origin: germline. Inheritance: Autosomal dominant inheritance. Observed: 1 variant allele, 1 heterozygote.
Comment: This study involves interpretation of variants in research participants for the purpose of population health screening. Participant phenotype was not available at the time of variant classification. Additional details can be found in publication PMID: 35346344, PMCID: PMC8962531

Literature cited by the submitters: PubMed 17576681 (cited by Labcorp Genetics (formerly Invitae), Labcorp); PubMed 9536098 (cited by Labcorp Genetics (formerly Invitae), Labcorp).